The following is an entry in ClinVar:

NM_001122955.4(BSCL2):c.710C>T (p.Ala237Val)

Genes: BSCL2 (BSCL2 lipid droplet biogenesis associated, seipin; minus strand), HNRNPUL2-BSCL2 (HNRNPUL2-BSCL2 readthrough (NMD candidate); minus strand). Cytogenetic location: 11q12.3.
Variant type: single nucleotide variant.
Coding change: c.710C>T on transcript NM_001122955.4 (MANE Select); coding-DNA position 710, C replaced by T.
Protein change: p.Ala237Val; replaces alanine 237 with valine.
Molecular consequence: missense variant. On other transcripts: non-coding transcript variant (1).
Genome position (GRCh38, 1-based): chr11:62,692,718, G>A on the plus strand (C>T on the coding strand, the complement: BSCL2 is on the minus strand). VCF-style: chr11-62692718-G-A. GRCh37 (hg19) VCF-style: chr11-62460190-G-A.
Other names: c.518C>T, p.Ala173Val (NM_001130702.2, NM_032667.6); c.710C>T, p.Ala237Val (NM_001386027.1, NM_001386028.1); short protein forms A173V, A237V.
Identifiers: ClinVar variation 4706364 (VCV004706364.1).

ClinVar aggregate classification (germline): Uncertain significance (1 of 4 stars; one submission).

Conditions:
Charcot-Marie-Tooth disease type 2. Also called: Charcot-Marie-Tooth type 2. Identifiers: Orphanet 64746, MedGen C0270914, MONDO:0018993.

Submission:

Labcorp Genetics (formerly Invitae), Labcorp
Classification: Uncertain significance for Charcot-Marie-Tooth disease type 2. Last evaluated: 2025-02-27. Review status: criteria provided, single submitter. Criteria: Invitae Variant Classification Sherloc (09022015). Collection method: clinical testing. Allele origin: germline.
Comment: This sequence change replaces alanine, which is neutral and non-polar, with valine, which is neutral and non-polar, at codon 173 of the BSCL2 protein (p.Ala173Val). This variant is not present in population databases (gnomAD no frequency). This variant has not been reported in the literature in individuals affected with BSCL2-related conditions. Invitae Evidence Modeling of protein sequence and biophysical properties (such as structural, functional, and spatial information, amino acid conservation, physicochemical variation, residue mobility, and thermodynamic stability) indicates that this missense variant is not expected to disrupt BSCL2 protein function with a negative predictive value of 80%. In summary, the available evidence is currently insufficient to determine the role of this variant in disease. Therefore, it has been classified as a Variant of Uncertain Significance.